The following is an entry in ClinVar:

ClinVar aggregate classification (germline): Conflicting classifications of pathogenicity. Review status: criteria provided, conflicting classifications (1 of 4 stars). 3 submissions from 3 submitters: Uncertain significance (2); Likely benign (1). Last evaluated 2025-07-06.

Conditions:
Cardiomyopathy (CMYO). Also called: Cardiomyopathies. Identifiers: Orphanet 167848, MedGen C0878544, MONDO:0004994, HP:0001638. Inheritance: Various modes of inheritance.
Long QT syndrome 11 (LQT11). Identifiers: Orphanet 101016, Orphanet 768, MedGen C2678483, MONDO:0012738, OMIM 611820.
Long QT syndrome (LQTS). Identifiers: MedGen C0023976, MeSH D008133, MONDO:0002442. Disease mechanism: loss of function. Inheritance: Various modes of inheritance.

Submissions (3):

Labcorp Genetics (formerly Invitae), Labcorp
Classification: Uncertain significance for Long QT syndrome. Last evaluated: 2025-07-06. Review status: criteria provided, single submitter. Criteria: Invitae Variant Classification Sherloc (09022015). Collection method: clinical testing. Allele origin: germline.
Comment: This variant, c.6303_6317del, results in the deletion of 5 amino acid(s) of the AKAP9 protein (p.Gln2101_Glu2105del), but otherwise preserves the integrity of the reading frame. This variant is not present in population databases (gnomAD no frequency). This variant has not been reported in the literature in individuals affected with AKAP9-related conditions. ClinVar contains an entry for this variant (Variation ID: 691766). Experimental studies and prediction algorithms are not available or were not evaluated, and the functional significance of this variant is currently unknown. In summary, the available evidence is currently insufficient to determine the role of this variant in disease. Therefore, it has been classified as a Variant of Uncertain Significance.

Fulgent Genetics
Classification: Uncertain significance for Long QT syndrome 11. Last evaluated: 2024-01-17. Review status: criteria provided, single submitter. Criteria: ACMG Guidelines, 2015. Collection method: clinical testing. Allele origin: germline.

Center for Advanced Laboratory Medicine, UC San Diego Health, University of California San Diego
Classification: Likely benign for Cardiomyopathy. Last evaluated: 2017-03-22. Review status: criteria provided, single submitter. Criteria: ACMG Guidelines, 2015. Collection method: clinical testing. Allele origin: germline. Affected: yes. Observed: 1 variant allele.

NM_005751.5(AKAP9):c.6303_6317del (p.Gln2101_Glu2105del)

Gene: AKAP9 (A-kinase anchoring protein 9; plus strand). Cytogenetic location: 7q21.2.
Variant type: Deletion.
Coding change: c.6303_6317del on transcript NM_005751.5 (MANE Select); coding-DNA positions 6303 to 6317, 15 bases deleted (GCCTATCAGTGAACA).
Protein change: p.Gln2101_Glu2105del.
Molecular consequence: inframe deletion.
Genome position (GRCh38, 1-based): chr7:92,066,519-92,066,533, GCCTATCAGTGAACA deleted; deleting any 15 consecutive bases within chr7:92,066,517-92,066,533 gives the same sequence; the c. name uses the placement nearest the transcript's 3' end. VCF-style (leftmost placement, unchanged base first): chr7-92066516-CCAGCCTATCAGTGAA-C. GRCh37 (hg19) VCF-style: chr7-91695830-CCAGCCTATCAGTGAA-C.
Other names: c.948_962del, p.Gln316_Glu320del (NM_001379277.1); c.6303_6317del, p.Gln2101_Glu2105del (NM_147185.3).
Identifiers: ClinVar variation 691766 (VCV000691766.3), dbSNP rs1229169680, ClinGen allele CA843822441.